The following is an entry in ClinVar:

NM_003331.5(TYK2):c.193+5G>C

Gene: TYK2 (tyrosine kinase 2; minus strand). Cytogenetic location: 19p13.2.
Variant type: single nucleotide variant.
Coding change: c.193+5G>C on transcript NM_003331.5 (MANE Select); 5 bases into the intron after coding-DNA position 193, G replaced by C.
Molecular consequence: intron variant.
Genome position (GRCh38, 1-based): chr19:10,378,209, C>G on the plus strand (G>C on the coding strand, the complement: TYK2 is on the minus strand). VCF-style: chr19-10378209-C-G. GRCh37 (hg19) VCF-style: chr19-10488885-C-G.
Other names: c.193+5G>C (NM_001385199.1, NM_001385205.1, NM_001385201.1 and 8 more transcripts).
Identifiers: ClinVar variation 1060744 (VCV001060744.2), dbSNP rs2145370839, ClinGen allele CA2499225257.
Genomic context (GRCh38, chr19:10,378,209, plus strand): 5'-GATGGGGCCCAGCTGCTGCTTGCACACCCACCCCAGTCCCCATGGTGCCAACGCCCCAGA[C>G]TCACCAACTTTATGTGCAATGTGGATGCAGACTTCCTCAGCTGTCAGCGATGACTCACTG-3'

ClinVar aggregate classification (germline): Uncertain significance (1 of 4 stars; one submission).

Conditions:
Immunodeficiency 35 (IMD35). Also called: Susceptibility to infection due to TYK2 deficiency; HIES WITH ATYPICAL MYCOBACTERIOSIS, AUTOSOMAL RECESSIVE; HYPER-IgE SYNDROME WITH ATYPICAL MYCOBACTERIOSIS, AUTOSOMAL RECESSIVE; TYK2 DEFICIENCY. Identifiers: Orphanet 331226, MedGen C1969086, MONDO:0012682, OMIM 611521.

Submission:

Labcorp Genetics (formerly Invitae), Labcorp
Classification: Uncertain significance for Immunodeficiency 35. Last evaluated: 2020-05-03. Review status: criteria provided, single submitter. Criteria: Invitae Variant Classification Sherloc (09022015). Collection method: clinical testing. Allele origin: germline.
Comment: This sequence change falls in intron 3 of the TYK2 gene. It does not directly change the encoded amino acid sequence of the TYK2 protein, but it affects a nucleotide within the consensus splice site of the intron. This variant is not present in population databases (ExAC no frequency). This variant has not been reported in the literature in individuals with TYK2-related conditions. Nucleotide substitutions within the consensus splice site are a relatively common cause of aberrant splicing (PMID: 17576681, 9536098). Algorithms developed to predict the effect of sequence changes on RNA splicing suggest that this variant may disrupt the consensus splice site, but this prediction has not been confirmed by published transcriptional studies. In summary, the available evidence is currently insufficient to determine the role of this variant in disease. Therefore, it has been classified as a Variant of Uncertain Significance.

Literature cited by the submitters: PubMed 17576681; PubMed 9536098.